The following is an entry in ClinVar:

ClinVar aggregate classification (germline): Pathogenic/Likely pathogenic. Review status: criteria provided, multiple submitters, no conflicts (2 of 4 stars). 3 submissions from 3 submitters: Pathogenic (1); Likely pathogenic (1). 1 of the submissions does not count toward it. Last evaluated 2025-04-01.

Conditions:
Weaver syndrome (WVS). Also called: Weaver Smith syndrome; Overgrowth syndrome with accelerated skeletal maturation, unusual facies, and camptodactyly. Identifiers: Orphanet 3447, MedGen C0265210, MONDO:0010193, OMIM 277590.

Submissions (3):

GeneDx
Classification: Likely pathogenic. Last evaluated: 2025-04-01. Review status: criteria provided, single submitter. Criteria: GeneDx Variant Classification Process June 2021. Collection method: clinical testing. Allele origin: germline. Affected: yes.
Comment: Nonsense variant predicted to result in protein truncation, as the last 22 amino acid(s) are lost, and other loss-of-function variants have been reported downstream in HGMD; Not observed at significant frequency in large population cohorts (gnomAD); Has not been previously published as pathogenic or benign to our knowledge

Genetic Services Laboratory, University of Chicago
Classification: Pathogenic for Weaver syndrome. Last evaluated: 2014-03-27. Review status: criteria provided, single submitter. Criteria: ACMG Guidelines, 2007. Collection method: clinical testing. Allele origin: germline. Affected: yes.

Genesis Genoma Lab
Classification: Likely pathogenic for Weaver syndrome. Last evaluated: 2021-09-17. Review status: no assertion criteria provided. Collection method: clinical testing. Allele origin: germline. Inheritance: Autosomal dominant inheritance. Affected: yes. Observed: 1 heterozygote. Not counted in ClinVar's aggregate classification.
Comment: The nucleotide variation EZH2: c.2187dup (p.Asp730Ter) results in the formation of a premature stop codon at the 730th aminoacid of the respective protein. Most mutations in EZH2 gene are missesnse, however pathogenic nonsense and frameshift mutations have been reported at the 3' end of the gene, after the SET domain (PMID: 31724824, 28475857). The EZH2: c.2187dup (p.Asp730Ter) variant has been reported in a patient with Weaver syndrome in a poster presentation at the European Human Genetics Conference 2016 (Simsek et al. 2016). The detected nucleutide variant is not included in gnomAD database. The nucleotide variant EZH2: c.2187dup (p.Asp730Ter) is characterized as Likely Pathogenic according to ACMG guidelines.

NM_004456.5(EZH2):c.2187dup (p.Asp730Ter)

Gene: EZH2 (enhancer of zeste 2 polycomb repressive complex 2 subunit; minus strand). Cytogenetic location: 7q36.1.
Variant type: Duplication.
Coding change: c.2187dup on transcript NM_004456.5 (MANE Select); coding-DNA position 2187, one base duplicated (T; older notation c.2187dupT).
Protein change: p.Asp730Ter; replaces aspartic acid 730 with a stop codon.
Molecular consequence: nonsense.
Genome position (GRCh38, 1-based): chr7:148,809,079, A duplicated on the plus strand (T on the coding strand, the reverse complement: EZH2 is on the minus strand); the first of 6 consecutive A bases (chr7:148,809,079-148,809,084); duplicating any one gives the same sequence. VCF-style (leftmost placement, unchanged base first): chr7-148809078-C-CA. GRCh37 (hg19) VCF-style: chr7-148506170-C-CA.
Other names: c.2172dup, p.Asp725Ter (NM_001203247.2); c.2145dup, p.Asp716Ter (NM_001203248.2); c.2019dup, p.Asp674Ter (NM_001203249.2); c.2055dup, p.Asp686Ter (NM_152998.3); short protein forms D686*, D716*, D674*, D725*, D730*.
Identifiers: ClinVar variation 210967 (VCV000210967.10), dbSNP rs797045568, ClinGen allele CA277020.
Genomic context (GRCh38, chr7:148,809,078, plus strand): 5'-CAATCCAGTAGAAAAAGCCCTTAGAGATCATGCTAGAAATGTACTTTACCAACCTGTAAT[C>CA]AAAAAACAGCTCTTCGCCAGTCTGGATGGCTCTCTTGGCAAAAATACCTATCCTGTGATC-3'